The following is an entry in ClinVar:

NM_006383.4(CIB2):c.484G>A (p.Gly162Ser)

Gene: CIB2 (calcium and integrin binding family member 2; minus strand). Cytogenetic location: 15q25.1.
Variant type: single nucleotide variant.
Coding change: c.484G>A on transcript NM_006383.4 (MANE Select); coding-DNA position 484, G replaced by A.
Protein change: p.Gly162Ser; replaces glycine 162 with serine.
Molecular consequence: missense variant. On other transcripts: non-coding transcript variant (1).
Genome position (GRCh38, 1-based): chr15:78,105,797, C>T on the plus strand (G>A on the coding strand, the complement: CIB2 is on the minus strand). VCF-style: chr15-78105797-C-T. GRCh37 (hg19) VCF-style: chr15-78398139-C-T.
Other names: c.355G>A, p.Gly119Ser (NM_001271888.2); c.337G>A, p.Gly113Ser (NM_001271889.2); c.499G>A, p.Gly167Ser (NM_001301224.2); c.484G>A (NM_006383.2); short protein forms G113S, G119S, G162S, G167S.
Identifiers: ClinVar variation 1300424 (VCV001300424.10), dbSNP rs749920371, ClinGen allele CA7680159.
Genomic context (GRCh38, chr15:78,105,797, plus strand): 5'-ACCTGAGGAAGTCAGGGGCCTTGGCAATCATGTCCTCGAAGTCAGCAAAGCCCAGCTTGC[C>T]GTCACCGTCCAAGTCAGCCTCCTCAATGACCTTGTCGCACACAAGCACCACCTCCTCCTC-3'
Protein context (NP_006374.1, residues 152-172): VIEEADLDGD[Gly162Ser]KLGFADFEDM

ClinVar aggregate classification (germline): Uncertain significance. Review status: criteria provided, multiple submitters, no conflicts (2 of 4 stars). 3 submissions from 3 submitters: Uncertain significance (3). Last evaluated 2025-06-18.

Conditions:
Inborn genetic diseases. Identifiers: MedGen C0950123, MeSH D030342.

Allele frequency attached by ClinVar (database versions not stated): gnomAD exomes 0.00001 and 0.00004; gnomAD 0.00003; ExAC 0.00004; TOPMed 0.00004.

Submissions (3):

Ambry Genetics
Classification: Uncertain significance for Inborn genetic diseases. Last evaluated: 2025-06-18. Review status: criteria provided, single submitter. Criteria: Ambry Variant Classification Scheme 2023. Collection method: clinical testing. Allele origin: germline.

GeneDx
Classification: Uncertain significance. Last evaluated: 2024-10-28. Review status: criteria provided, single submitter. Criteria: GeneDx Variant Classification Process June 2021. Collection method: clinical testing. Allele origin: germline. Affected: yes.
Comment: In silico analysis supports that this missense variant has a deleterious effect on protein structure/function; Has not been previously published as pathogenic or benign to our knowledge

Labcorp Genetics (formerly Invitae), Labcorp
Classification: Uncertain significance. Last evaluated: 2024-01-02. Review status: criteria provided, single submitter. Criteria: Invitae Variant Classification Sherloc (09022015). Collection method: clinical testing. Allele origin: germline.
Comment: This sequence change replaces glycine, which is neutral and non-polar, with serine, which is neutral and polar, at codon 162 of the CIB2 protein (p.Gly162Ser). This variant is present in population databases (rs749920371, gnomAD 0.03%). This variant has not been reported in the literature in individuals affected with CIB2-related conditions. ClinVar contains an entry for this variant (Variation ID: 1300424). An algorithm developed to predict the effect of missense changes on protein structure and function (PolyPhen-2) suggests that this variant¬†is likely to be tolerated. In summary, the available evidence is currently insufficient to determine the role of this variant in disease. Therefore, it has been classified as a Variant of Uncertain Significance.